The following is an entry in ClinVar:

ClinVar aggregate classification (germline): Uncertain significance (1 of 4 stars; one submission).

gnomAD v4.1: 3 of 1,613,992 alleles (0.00019%); highest among the groups gnomAD compares: East Asian, 0.0022%; no homozygotes.

Submission:

Labcorp Genetics (formerly Invitae), Labcorp
Classification: Uncertain significance. Last evaluated: 2024-05-15. Review status: criteria provided, single submitter. Criteria: Invitae Variant Classification Sherloc (09022015). Collection method: clinical testing. Allele origin: germline.
Comment: This sequence change replaces arginine, which is basic and polar, with glycine, which is neutral and non-polar, at codon 330 of the LEMD3 protein (p.Arg330Gly). This variant is present in population databases (no rsID available, gnomAD 0.01%). This variant has not been reported in the literature in individuals affected with LEMD3-related conditions. Advanced modeling of protein sequence and biophysical properties (such as structural, functional, and spatial information, amino acid conservation, physicochemical variation, residue mobility, and thermodynamic stability) performed at Invitae indicates that this missense variant is not expected to disrupt LEMD3 protein function with a negative predictive value of 80%. In summary, the available evidence is currently insufficient to determine the role of this variant in disease. Therefore, it has been classified as a Variant of Uncertain Significance.

NM_014319.5(LEMD3):c.988A>G (p.Arg330Gly)

Gene: LEMD3 (LEM domain containing 3; plus strand). Cytogenetic location: 12q14.3.
Variant type: single nucleotide variant.
Coding change: c.988A>G on transcript NM_014319.5 (MANE Select); coding-DNA position 988, A replaced by G.
Protein change: p.Arg330Gly; replaces arginine 330 with glycine.
Molecular consequence: missense variant.
Genome position (GRCh38, 1-based): chr12:65,170,584, A>G. VCF-style: chr12-65170584-A-G. GRCh37 (hg19) VCF-style: chr12-65564364-A-G.
Other names: c.988A>G, p.Arg330Gly (NM_001167614.2); short protein forms R330G.
Identifiers: ClinVar variation 3669765 (VCV003669765.2).
Genomic context (GRCh38, chr12:65,170,584, plus strand): 5'-GTTCAGGGAGGGGGAGGACTCGCGATGAATGACAGGGCGGCGGCTGCCGGGAGTCTAGAC[A>G]GGAGCCGAAACCTCGAAGAGGCGGCGGCCGCGGAGCAGGGAGGAGGGTGTGATCAAGTGG-3'
Protein context (NP_055134.2, residues 320-340): DRAAAAGSLD[Arg330Gly]SRNLEEAAAA